The following is an entry in ClinVar:

NM_001079866.2(BCS1L):c.702C>A (p.Cys234Ter)

Gene: BCS1L (BCS1 ubiquinol-cytochrome c reductase complex chaperone; plus strand). Cytogenetic location: 2q35.
Variant type: single nucleotide variant.
Coding change: c.702C>A on transcript NM_001079866.2 (MANE Select); coding-DNA position 702, C replaced by A.
Protein change: p.Cys234Ter; replaces cysteine 234 with a stop codon.
Molecular consequence: nonsense. On other transcripts: non-coding transcript variant (1).
Genome position (GRCh38, 1-based): chr2:218,662,243, C>A. VCF-style: chr2-218662243-C-A. GRCh37 (hg19) VCF-style: chr2-219526966-C-A.
Other names: c.702C>A, p.Cys234Ter (NM_001257342.2, NM_001257343.2, NM_001257344.2 and 10 more transcripts); c.342C>A, p.Cys114Ter (NM_001318836.2, NM_001371451.1); c.201C>A, p.Cys67Ter (NM_001371452.1, NM_001371453.1, NM_001371454.1 and 3 more transcripts); short protein forms C114*, C234*, C67*.
Identifiers: ClinVar variation 1725291 (VCV001725291.3), dbSNP rs140405116, ClinGen allele CA350628094.
Genomic context (GRCh38, chr2:218,662,243, plus strand): 5'-GGCTCTATCCCTAGGCATTCCTTACAGACGTGGCTACCTGCTTTATGGGCCCCCTGGTTG[C>A]GGAAAGAGCAGTTTTATGTGAGTATTCAAAATTTCTCTCAACTTGGCAAAACGAAGCCTT-3'

ClinVar aggregate classification (germline): Likely pathogenic (1 of 4 stars; one submission).

Conditions:
BCS1L-related disorder. Also called: BCS1L-related disorders; BCS1L-related condition. Identifiers: MedGen CN239240.

Submission:

Myriad Genetics, Inc.
Classification: Likely pathogenic for BCS1L-related disorder. Last evaluated: 2021-12-02. Review status: criteria provided, single submitter. Criteria: Myriad Autosomal Dominant, Autosomal Recessive and X-Linked Classification Criteria (2023). Collection method: clinical testing. Allele origin: unknown.
Comment: NM_004328.4(BCS1L):c.702C>A(C234*) is expected to be pathogenic in the context of BCS1L-related disorders. This variant is predicted to lead to an abnormal or absent protein product due to the creation of a premature termination codon in BCS1L, a gene where loss-of-function variants are known to be pathogenic. Please note: this variant was assessed in the context of healthy population screening.